The following is an entry in ClinVar:

NM_020706.2(SCAF4):c.2635dup (p.Arg879fs)

Gene: SCAF4 (SR-related CTD associated factor 4; minus strand). Cytogenetic location: 21q22.11.
Variant type: Duplication.
Coding change: c.2635dup on transcript NM_020706.2 (MANE Select); coding-DNA position 2635, one base duplicated (C; older notation c.2635dupC).
Protein change: p.Arg879fs; shifts the reading frame from arginine 879.
Molecular consequence: frameshift variant.
Genome position (GRCh38, 1-based): chr21:31,672,208, G duplicated on the plus strand (C on the coding strand, the reverse complement: SCAF4 is on the minus strand); the first of 4 consecutive G bases (chr21:31,672,208-31,672,211); duplicating any one gives the same sequence. VCF-style (leftmost placement, unchanged base first): chr21-31672207-C-CG. GRCh37 (hg19) VCF-style: chr21-33044520-C-CG.
Other names: c.2590dup, p.Arg864fs (NM_001145444.1); c.2569dup, p.Arg857fs (NM_001145445.1); short protein forms R857fs, R864fs, R879fs.
Identifiers: ClinVar variation 4874985 (VCV004874985.2).

ClinVar aggregate classification (germline): Likely pathogenic (1 of 4 stars; one submission).

Submission:

CeGaT Center for Human Genetics Tuebingen
Classification: Likely pathogenic. Last evaluated: 2026-05-01. Review status: criteria provided, single submitter. Criteria: CeGaT Center For Human Genetics Tuebingen Variant Classification Criteria Version 2. Collection method: clinical testing. Allele origin: germline. Affected: yes. Observed: 1 variant allele.
Comment: SCAF4: PVS1:Strong, PM2, PS2:Supporting